The following is an entry in ClinVar:

NM_003924.4(PHOX2B):c.*1T>C

Gene: PHOX2B (paired like homeobox 2B; minus strand). Cytogenetic location: 4p13.
Variant type: single nucleotide variant.
Coding change: c.*1T>C on transcript NM_003924.4 (MANE Select); 1 bases downstream of the stop codon, T replaced by C.
Molecular consequence: 3 prime UTR variant.
Genome position (GRCh38, 1-based): chr4:41,745,806, A>G on the plus strand (T>C on the coding strand, the complement: PHOX2B is on the minus strand). VCF-style: chr4-41745806-A-G. GRCh37 (hg19) VCF-style: chr4-41747823-A-G.
Identifiers: ClinVar variation 3366188 (VCV003366188.1).
Genomic context (GRCh38, chr4:41,745,806, plus strand): 5'-GCCCGCCCGGGCCCTGGCTCGCCCGCTGTCGCCGCCGCCGCCGCCGCCGCAGGATTCCAG[A>G]TCAGAACATACTGCTCTTCACTAAGGCGGCTTTGGCACCGTTGGGTCTTTGGAGCGAAGA-3'

ClinVar aggregate classification (germline): Uncertain significance (1 of 4 stars; one submission).

Submission:

GeneDx
Classification: Uncertain significance. Last evaluated: 2023-10-18. Review status: criteria provided, single submitter. Criteria: GeneDx Variant Classification Process June 2021. Collection method: clinical testing. Allele origin: germline. Affected: yes.
Comment: Not observed at significant frequency in large population cohorts (gnomAD); Located in a region that tolerates variation and lacks pathogenic variants; Has not been previously published as pathogenic or benign to our knowledge